The following is an entry in ClinVar:

NM_005188.4(CBL):c.2107C>G (p.Pro703Ala)

Gene: CBL (Cbl proto-oncogene; plus strand). Cytogenetic location: 11q23.3.
Variant type: single nucleotide variant.
Coding change: c.2107C>G on transcript NM_005188.4 (MANE Select); coding-DNA position 2107, C replaced by G.
Protein change: p.Pro703Ala; replaces proline 703 with alanine.
Molecular consequence: missense variant.
Genome position (GRCh38, 1-based): chr11:119,296,988, C>G. VCF-style: chr11-119296988-C-G. GRCh37 (hg19) VCF-style: chr11-119167698-C-G.
Other names: short protein forms P703A.
Identifiers: ClinVar variation 1224477 (VCV001224477.3), dbSNP rs1229733932, ClinGen allele CA382927086.

ClinVar aggregate classification (germline): Conflicting classifications of pathogenicity. Review status: criteria provided, conflicting classifications (1 of 4 stars). 2 submissions from 2 submitters: Likely pathogenic (1); Uncertain significance (1). Last evaluated 2022-06-17.

Conditions:
CBL-related disorder. Also called: CBL MUTATION-ASSOCIATED SYNDROME; CBL SYNDROME; NOONAN SYNDROME-LIKE DISORDER WITHOUT JUVENILE MYELOMONOCYTIC LEUKEMIA. Identifiers: Orphanet 363972, MedGen C3150803, MONDO:0013308, OMIM 613563.

Submissions (2):

Women's Health and Genetics/Laboratory Corporation of America, LabCorp
Classification: Uncertain significance. Last evaluated: 2022-06-17. Review status: criteria provided, single submitter. Criteria: LabCorp Variant Classification Summary - May 2015. Collection method: clinical testing. Allele origin: germline.
Comment: Variant summary: CBL c.2107C>G (p.Pro703Ala) results in a non-conservative amino acid change in the encoded protein sequence. Four of five in-silico tools predict a damaging effect of the variant on protein function. The variant was absent in 251452 control chromosomes (gnomAD). The available data on variant occurrences in the general population are insufficient to allow any conclusion about variant significance. To our knowledge, no occurrence of c.2107C>G in individuals affected with Noonan Syndrome and Related Conditions and no experimental evidence demonstrating its impact on protein function have been reported. One clinical diagnostic laboratory has submitted clinical-significance assessments for this variant to ClinVar after 2014 without evidence for independent evaluation, and classified the variant as likely pathogenic. Based on the evidence outlined above, the variant was classified as uncertain significance.

Blueprint Genetics
Classification: Likely pathogenic for CBL-related disorders. Last evaluated: 2019-03-13. Review status: criteria provided, single submitter. Criteria: ACMG Guidelines, 2015. Collection method: clinical testing. Allele origin: germline. Affected: yes. Observed: 1 variant allele.